The following is an entry in ClinVar:

NM_024741.3(ZNF408):c.1065T>A (p.Cys355Ter)

Gene: ZNF408 (zinc finger protein 408; plus strand). Cytogenetic location: 11p11.2.
Variant type: single nucleotide variant.
Coding change: c.1065T>A on transcript NM_024741.3 (MANE Select); coding-DNA position 1065, T replaced by A.
Protein change: p.Cys355Ter; replaces cysteine 355 with a stop codon.
Molecular consequence: nonsense.
Genome position (GRCh38, 1-based): chr11:46,704,765, T>A. VCF-style: chr11-46704765-T-A. GRCh37 (hg19) VCF-style: chr11-46726315-T-A.
Other names: c.1041T>A, p.Cys347Ter (NM_001184751.2); short protein forms C347*, C355*.
Identifiers: ClinVar variation 1025346 (VCV001025346.6), dbSNP rs2064738219, ClinGen allele CA380254747.

ClinVar aggregate classification (germline): Uncertain significance (1 of 4 stars; one submission).

Submission:

Labcorp Genetics (formerly Invitae), Labcorp
Classification: Uncertain significance. Last evaluated: 2020-07-23. Review status: criteria provided, single submitter. Criteria: Invitae Variant Classification Sherloc (09022015). Collection method: clinical testing. Allele origin: germline.
Comment: This sequence change results in a premature translational stop signal in the ZNF408 gene (p.Cys355*). While this is not anticipated to result in nonsense mediated decay, it is expected to disrupt the last 366 amino acids of the ZNF408 protein. This variant is not present in population databases (ExAC no frequency). This variant has not been reported in the literature in individuals with ZNF408-related conditions. Algorithms developed to predict the effect of sequence changes on RNA splicing suggest that this variant may create or strengthen a splice site, but this prediction has not been confirmed by published transcriptional studies. In summary, the available evidence is currently insufficient to determine the role of this variant in disease. Therefore, it has been classified as a Variant of Uncertain Significance.